The following is an entry in ClinVar:

NM_001142800.2(EYS):c.365A>T (p.Asp122Val)

Gene: EYS (eyes shut homolog; minus strand). Cytogenetic location: 6q12.
Variant type: single nucleotide variant.
Coding change: c.365A>T on transcript NM_001142800.2 (MANE Select); coding-DNA position 365, A replaced by T.
Protein change: p.Asp122Val; replaces aspartic acid 122 with valine.
Molecular consequence: missense variant.
Genome position (GRCh38, 1-based): chr6:65,495,046, T>A on the plus strand (A>T on the coding strand, the complement: EYS is on the minus strand). VCF-style: chr6-65495046-T-A. GRCh37 (hg19) VCF-style: chr6-66204939-T-A.
Other names: c.365A>T, p.Asp122Val (NM_001142801.2, NM_001292009.2, NM_198283.2); short protein forms D122V.
Identifiers: ClinVar variation 1952814 (VCV001952814.2), dbSNP rs2533028973, ClinGen allele CA364790075.

ClinVar aggregate classification (germline): Uncertain significance (1 of 4 stars; one submission).

gnomAD v4.1: 1 of 1,614,206 alleles (0.000062%); highest among the groups gnomAD compares: Non-Finnish European, 0.000085%; no homozygotes.

Submission:

Labcorp Genetics (formerly Invitae), Labcorp
Classification: Uncertain significance. Last evaluated: 2021-08-14. Review status: criteria provided, single submitter. Criteria: Invitae Variant Classification Sherloc (09022015). Collection method: clinical testing. Allele origin: germline.
Comment: This sequence change replaces aspartic acid with valine at codon 122 of the EYS protein (p.Asp122Val). The aspartic acid residue is moderately conserved and there is a large physicochemical difference between aspartic acid and valine. This variant is not present in population databases (ExAC no frequency). This variant has not been reported in the literature in individuals affected with EYS-related conditions. Algorithms developed to predict the effect of missense changes on protein structure and function are either unavailable or do not agree on the potential impact of this missense change (SIFT: "Tolerated"; PolyPhen-2: "Probably Damaging"; Align-GVGD: "Class C0"). In summary, the available evidence is currently insufficient to determine the role of this variant in disease. Therefore, it has been classified as a Variant of Uncertain Significance.